The following is an entry in ClinVar:

NM_000051.4(ATM):c.724A>G (p.Thr242Ala)

Gene: ATM (ATM serine/threonine kinase; plus strand). Cytogenetic location: 11q22.3.
Variant type: single nucleotide variant.
Coding change: c.724A>G on transcript NM_000051.4 (MANE Select); coding-DNA position 724, A replaced by G.
Protein change: p.Thr242Ala; replaces threonine 242 with alanine.
Molecular consequence: missense variant.
Genome position (GRCh38, 1-based): chr11:108,244,849, A>G. VCF-style: chr11-108244849-A-G. GRCh37 (hg19) VCF-style: chr11-108115576-A-G.
Other names: c.724A>G, p.Thr242Ala (NM_001351834.2); short protein forms T242A.
Identifiers: ClinVar variation 524354 (VCV000524354.7), dbSNP rs1555067068, ClinGen allele CA382529218.
Genomic context (GRCh38, chr11:108,244,849, plus strand): 5'-CAAGAAAAGAGCTCTTCAGGTCTAAATCATATCTTAGCAGCTCTTACTATCTTCCTCAAG[A>G]CTTTGGCTGTCAACTTTCGAATTCGAGTGTGTGAATTAGGAGATGAAATTCTTCCCACTT-3'
Protein context (NP_000042.3, residues 232-252): ILAALTIFLK[Thr242Ala]LAVNFRIRVC

ClinVar aggregate classification (germline): Uncertain significance (1 of 4 stars; one submission).

Conditions:
Ataxia-telangiectasia syndrome (AT). Also called: ATAXIA-TELANGIECTASIA, COMPLEMENTATION GROUP A; ATAXIA-TELANGIECTASIA, FRESNO VARIANT; Ataxia-telangiectasia; Ataxia-telangiectasia, complementation group D; AT, COMPLEMENTATION GROUP C; Ataxia-telangiectasia, complementation group E. Identifiers: Orphanet 100, MedGen C0004135, MONDO:0008840, OMIM 208900.

Submission:

Labcorp Genetics (formerly Invitae), Labcorp
Classification: Uncertain significance for Ataxia-telangiectasia syndrome. Last evaluated: 2025-01-07. Review status: criteria provided, single submitter. Criteria: Invitae Variant Classification Sherloc (09022015). Collection method: clinical testing. Allele origin: germline.
Comment: This sequence change replaces threonine, which is neutral and polar, with alanine, which is neutral and non-polar, at codon 242 of the ATM protein (p.Thr242Ala). This variant is not present in population databases (gnomAD no frequency). This variant has not been reported in the literature in individuals affected with ATM-related conditions. ClinVar contains an entry for this variant (Variation ID: 524354). Invitae Evidence Modeling of protein sequence and biophysical properties (such as structural, functional, and spatial information, amino acid conservation, physicochemical variation, residue mobility, and thermodynamic stability) indicates that this missense variant is not expected to disrupt ATM protein function with a negative predictive value of 95%. Algorithms developed to predict the effect of sequence changes on RNA splicing suggest that this variant may create or strengthen a splice site. In summary, the available evidence is currently insufficient to determine the role of this variant in disease. Therefore, it has been classified as a Variant of Uncertain Significance.